The following continues an entry in ClinVar:

NM_000257.4(MYH7):c.610C>T (p.Arg204Cys)

Gene: MYH7. ClinVar aggregate classification (germline): Uncertain significance. Uncertain significance (1).

Submissions 7 to 11 of 11:

Ambry Genetics
Classification: Uncertain significance for Cardiovascular phenotype. Last evaluated: 2023-10-20. Review status: criteria provided, single submitter. Criteria: Ambry Variant Classification Scheme 2023. Collection method: clinical testing. Allele origin: germline. Not counted in ClinVar's aggregate classification.
Comment: The p.R204C variant (also known as c.610C>T), located in coding exon 5 of the MYH7 gene, results from a C to T substitution at nucleotide position 610. The arginine at codon 204 is replaced by cysteine, an amino acid with highly dissimilar properties. This alteration is located in the myosin head domain, which contains a statistically significant clustering of pathogenic missense variants (Homburger JR et al. Proc Natl Acad Sci U S A, 2016 06;113:6701-6; Walsh R et al. Genet Med, 2017 02;19:192-203; Ambry internal data). This variant has been detected in hypertrophic cardiomyopathy (HCM) cohorts, and in cohorts not selected for the presence of cardiomyopathy; however, clinical details were limited (Homburger JR et al. Proc Natl Acad Sci U S A, 2016 06;113:6701-6; Walsh R et al. Genet Med, 2017 02;19:192-203; Ganapathy A et al. J Neurol. 2019 Aug;266(8):1919-1926; Yoneda ZT et al. JAMA Cardiol. 2021 Dec;6(12):1371-1379; Park J et al. Hum Mol Genet. 2022 Mar;31(5):827-837). Another alteration at the same codon, p.R204H (c.611G>A), has been reported in association with HCM (Richard P et al. Circulation. 2003;107:2227-32). This amino acid position is well conserved in available vertebrate species. In addition, the in silico prediction for this alteration is inconclusive. Since supporting evidence is limited at this time, the clinical significance of this alteration remains unclear.

Illumina Laboratory Services, Illumina
Classification: Likely pathogenic for Hypertrophic cardiomyopathy 1. Last evaluated: 2023-09-29. Review status: criteria provided, single submitter. Criteria: ICSLVariantClassificationCriteria RUGD 01 April 2020. Collection method: clinical testing. Allele origin: unknown. Not counted in ClinVar's aggregate classification.
Comment: The MYH7 c.610C>T p.(Arg204Cys) missense variant results in the substitution of arginine at amino acid position 204 with cysteine. This variant has been identified in individuals with a phenotype consistent with hypertrophic cardiomyopathy (PMID: 27247418; 27532257; 36264615). This variant is located in the head region, which is known to be intolerant to variation (PMID: 29300372). Additionally, two different amino acid substitutions affecting the same position have been previously classified as pathogenic. This variant is not observed at a significant frequency in version 2.1.1 or version 3.1.2 of the Genome Aggregation Database. Multiple lines of computational evidence suggest the variant may impact the gene or gene product. Based on the available evidence, the c.610C>T p.(Arg204Cys) variant is classified as likely pathogenic for hypertrophic cardiomyopathy.

All of Us Research Program, National Institutes of Health
Classification: Uncertain significance for Cardiomyopathy. Last evaluated: 2023-09-04. Review status: criteria provided, single submitter. Criteria: ACMG Guidelines, 2015. Collection method: clinical testing. Allele origin: germline. Inheritance: Autosomal dominant inheritance. Observed: 2 variant alleles, 2 heterozygotes. Not counted in ClinVar's aggregate classification.
Comment: This missense variant replaces arginine with cysteine at codon 204 of the MYH7 protein. This variant is found within a highly conserved region of the myosin head domain. Missense variants in this region have been shown to be significantly overrepresented in individuals with hypertrophic cardiomyopathy (PMID: 27532257). Computational prediction suggests that this variant may have deleterious impact on protein structure and function (internally defined REVEL score threshold >= 0.7, PMID: 27666373). To our knowledge, functional studies have not been reported for this variant. This variant has been reported in at least one individual affected with hypertrophic cardiomyopathy (PMID: 27247418, 27532257, 33495597). This variant has been identified in 6/282876 chromosomes in the general population by the Genome Aggregation Database (gnomAD). A different variant occurring at the same codon, p.Arg204His, is known to be disease-causing (Clinvar variation ID: 43095), indicating that arginine at this position is important for MYH7 protein function. The available evidence is insufficient to determine the role of this variant in disease conclusively. Therefore, this variant is classified as a Variant of Uncertain Significance.

This study involves interpretation of variants in research participants for the purpose of population health screening. Participant phenotype was not available at the time of variant classification. Additional details can be found in publication PMID: 35346344, PMCID: PMC8962531

GeneDx
Classification: Uncertain significance. Last evaluated: 2022-03-19. Review status: criteria provided, single submitter. Criteria: GeneDx Variant Classification Process June 2021. Collection method: clinical testing. Allele origin: germline. Affected: yes. Not counted in ClinVar's aggregate classification.
Comment: In silico analysis supports that this missense variant does not alter protein structure/function; Identified in individuals with cardiomyopathy in published literature, but familial segregation information and additional clinical information were not included (Homburger et al., 2016; Walsh et al., 2017); This variant is associated with the following publications: (PMID: 24865491, 27532257, 27247418, 28606303, 29687901, 27841901, 24111713, 23816408, 12707239, 29300372)

Fulgent Genetics
Classification: Uncertain significance for MYH7-related skeletal myopathy; Myosin storage myopathy; Hypertrophic cardiomyopathy 1; Myopathy, myosin storage, autosomal recessive; Congenital myopathy 4A, autosomal dominant; Dilated cardiomyopathy 1S. Last evaluated: 2021-09-14. Review status: criteria provided, single submitter. Criteria: ACMG Guidelines, 2015. Collection method: clinical testing. Allele origin: unknown. Not counted in ClinVar's aggregate classification.

Literature cited by the submitters: PubMed 27247418 (cited by 5 submitters); PubMed 27532257 (cited by 5 submitters); PubMed 36264615 (cited by Labcorp Genetics (formerly Invitae), Labcorp and Illumina Laboratory Services, Illumina); PubMed 37652022 (cited by Labcorp Genetics (formerly Invitae), Labcorp); PubMed 12707239 (cited by Labcorp Genetics (formerly Invitae), Labcorp); PubMed 23816408 (cited by Labcorp Genetics (formerly Invitae), Labcorp); PubMed 24111713 (cited by Labcorp Genetics (formerly Invitae), Labcorp); PubMed 24865491 (cited by Labcorp Genetics (formerly Invitae), Labcorp); PubMed 27841901 (cited by Labcorp Genetics (formerly Invitae), Labcorp); PubMed 33495597 (cited by 3 submitters); PubMed 31069529 (cited by Ambry Genetics); PubMed 34495297 (cited by Ambry Genetics); PubMed 34542152 (cited by Ambry Genetics); PubMed 29300372 (cited by Illumina Laboratory Services, Illumina).